The following is an entry in ClinVar:

NM_015046.7(SETX):c.7445A>G (p.Glu2482Gly)

Gene: SETX (senataxin; minus strand). Cytogenetic location: 9q34.13.
Variant type: single nucleotide variant.
Coding change: c.7445A>G on transcript NM_015046.7 (MANE Select); coding-DNA position 7445, A replaced by G.
Protein change: p.Glu2482Gly; replaces glutamic acid 2482 with glycine.
Molecular consequence: missense variant.
Genome position (GRCh38, 1-based): chr9:132,264,828, T>C on the plus strand (A>G on the coding strand, the complement: SETX is on the minus strand). VCF-style: chr9-132264828-T-C. GRCh37 (hg19) VCF-style: chr9-135140215-T-C.
Other names: c.7445A>G, p.Glu2482Gly (NM_001351527.2); c.7532A>G, p.Glu2511Gly (NM_001351528.2); short protein forms E2482G, E2511G.
Identifiers: ClinVar variation 1758944 (VCV001758944.2), dbSNP rs992527282, ClinGen allele CA200793437.

ClinVar aggregate classification (germline): Uncertain significance (1 of 4 stars; one submission).

Conditions:
Inborn genetic diseases. Identifiers: MedGen C0950123, MeSH D030342.

Allele frequency attached by ClinVar (database versions not stated): gnomAD exomes below 0.00001; gnomAD 0.00001; TOPMed 0.00001.
gnomAD v4.1: 5 of 1,614,098 alleles (0.00031%); highest among the groups gnomAD compares: African/African-American, 0.0013%; no homozygotes.

Submission:

Ambry Genetics
Classification: Uncertain significance for Inborn genetic diseases. Last evaluated: 2022-01-04. Review status: criteria provided, single submitter. Criteria: Ambry Variant Classification Scheme 2023. Collection method: clinical testing. Allele origin: germline.
Comment: The p.E2482G variant (also known as c.7445A>G), located in coding exon 24 of the SETX gene, results from an A to G substitution at nucleotide position 7445. The glutamic acid at codon 2482 is replaced by glycine, an amino acid with similar properties. This amino acid position is conserved. In addition, the in silico prediction for this alteration is inconclusive. Since supporting evidence is limited at this time, the clinical significance of this alteration remains unclear.